The following is an entry in ClinVar:

ClinVar aggregate classification (germline): Conflicting classifications of pathogenicity. Review status: criteria provided, conflicting classifications (1 of 4 stars). 3 submissions from 3 submitters: Uncertain significance (2); Likely benign (1). Last evaluated 2025-11-12.

Conditions:
Familial hypobetalipoproteinemia 1. Also called: Hypobetalipoproteinemia, normotriglyceridemic; Acanthocytosis with hypobetalipoproteinemia; APOB-Related Familial Hypobetalipoproteinemia. Identifiers: MedGen C4551990, MONDO:0014252, OMIM 615558.
Hypercholesterolemia, autosomal dominant, type B (FHCL2). Also called: Familial Hypercholesterolemia Type B; HYPERCHOLESTEROLEMIA, FAMILIAL, DUE TO LIGAND-DEFECTIVE APOLIPOPROTEIN B; Familial hypercholesterolemia 2; APOB-Related Familial Hypercholesterolemia, Autosomal Dominant; APOLIPOPROTEIN B-100, FAMILIAL DEFECTIVE; APOLIPOPROTEIN B-100, FAMILIAL LIGAND-DEFECTIVE. Identifiers: MedGen C1704417, MONDO:0007751, OMIM 144010.
Cardiovascular phenotype. Identifiers: MedGen CN230736.

Allele frequency attached by ClinVar (database versions not stated): ExAC 0.00001; gnomAD exomes 0.00002; TOPMed 0.00004; gnomAD 0.00006 and 0.00007; 1000 Genomes Project 30x 0.00016.
gnomAD v4.1: 41 of 1,614,226 alleles (0.0025%); highest among the groups gnomAD compares: Non-Finnish European, 0.0032%; no homozygotes.

Submissions (3):

Labcorp Genetics (formerly Invitae), Labcorp
Classification: Likely benign for Familial hypobetalipoproteinemia 1; Hypercholesterolemia, autosomal dominant, type B. Last evaluated: 2025-11-12. Review status: criteria provided, single submitter. Criteria: Invitae Variant Classification Sherloc (09022015). Collection method: clinical testing. Allele origin: germline.

Ambry Genetics
Classification: Uncertain significance for Cardiovascular phenotype. Last evaluated: 2024-07-04. Review status: criteria provided, single submitter. Criteria: Ambry Variant Classification Scheme 2023. Collection method: clinical testing. Allele origin: germline.
Comment: The p.L846M variant (also known as c.2536T>A), located in coding exon 17 of the APOB gene, results from a T to A substitution at nucleotide position 2536. The leucine at codon 846 is replaced by methionine, an amino acid with highly similar properties. This amino acid position is conserved. In addition, this alteration is predicted to be tolerated by in silico analysis. Since supporting evidence is limited at this time, the clinical significance of this alteration remains unclear.

Phosphorus, Inc.
Classification: Uncertain significance. Last evaluated: 2022-01-18. Review status: criteria provided, single submitter. Criteria: ACMG Guidelines, 2015. Collection method: clinical testing. Allele origin: germline. Inheritance: Autosomal recessive inheritance.
Comment: This missense variant results in an amino acid substitution of Leucine with Methionine at codon 846 of the APOB gene (transcript: NM_000384.2). This variant has an entry in ClinVar (920952) NM_000384.3(APOB):c.2536T>A (p.Leu846Met). This variant occurred in gnomAD with a total MAF of 0 0.0020% and with the highest MAF of 0.0045% in the European population. This position is not conserved. In silico functional algorithms predict this variant to be probably damaging (PolyPhen) and damaging (SIFT). However, no functional studies were performed to confirm either of those predictions. The variant has not occurred in the literature in association with the disease. Considering that this is a rare variant and the available evidence is not enough to ascertain its role in disease, it has been classified as Variant of Uncertain Significance.

NM_000384.3(APOB):c.2536T>A (p.Leu846Met)

Gene: APOB (apolipoprotein B; minus strand). Cytogenetic location: 2p24.1.
Variant type: single nucleotide variant.
Coding change: c.2536T>A on transcript NM_000384.3 (MANE Select); coding-DNA position 2536, T replaced by A.
Protein change: p.Leu846Met; replaces leucine 846 with methionine.
Molecular consequence: missense variant.
Genome position (GRCh38, 1-based): chr2:21,023,593, A>T on the plus strand (T>A on the coding strand, the complement: APOB is on the minus strand). VCF-style: chr2-21023593-A-T. GRCh37 (hg19) VCF-style: chr2-21246465-A-T.
Other names: short protein forms L846M.
Identifiers: ClinVar variation 920952 (VCV000920952.13), dbSNP rs189880634, ClinGen allele CA056610.
Genomic context (GRCh38, chr2:21,023,593, plus strand): 5'-CTTCCAGTTTTACTCCAGCCTTGGCTCCGGGAGCAATGACTCCAGATGAAGATATTTGCA[A>T]CTGTAATCCAGCTCCAGTGGGGAGTTCAAAGGCATTCTCCATGAAGATGTAGTGAAGAAA-3'
Protein context (NP_000375.3, residues 836-856): FELPTGAGLQ[Leu846Met]QISSSGVIAP